The following is an entry in ClinVar:

NM_000421.5(KRT10):c.514T>C (p.Tyr172His)

Genes: KRT10 (keratin 10; minus strand), KRT10-AS1 (KRT10 antisense RNA 1; plus strand). Cytogenetic location: 17q21.2.
Variant type: single nucleotide variant.
Coding change: c.514T>C on transcript NM_000421.5 (MANE Select); coding-DNA position 514, T replaced by C.
Protein change: p.Tyr172His; replaces tyrosine 172 with histidine.
Molecular consequence: missense variant.
Genome position (GRCh38, 1-based): chr17:40,822,072, A>G on the plus strand (T>C on the coding strand, the complement: KRT10 is on the minus strand). VCF-style: chr17-40822072-A-G. GRCh37 (hg19) VCF-style: chr17-38978324-A-G.
Other names: c.514T>C, p.Tyr172His (NM_001379366.1); short protein forms Y172H.
Identifiers: ClinVar variation 2976420 (VCV002976420.3), dbSNP rs376239738, ClinGen allele CA8548278.

ClinVar aggregate classification (germline): Uncertain significance (1 of 4 stars; one submission).

Allele frequency attached by ClinVar (database versions not stated): gnomAD exomes below 0.00001; ExAC 0.00002; gnomAD 0.00003; TOPMed 0.00005; ESP Exome Variant Server 0.00008.
gnomAD v4.1: 7 of 1,613,928 alleles (0.00043%); highest among the groups gnomAD compares: African/African-American, 0.008%; no homozygotes.

Submission:

Labcorp Genetics (formerly Invitae), Labcorp
Classification: Uncertain significance. Last evaluated: 2023-12-12. Review status: criteria provided, single submitter. Criteria: Invitae Variant Classification Sherloc (09022015). Collection method: clinical testing. Allele origin: germline.
Comment: This sequence change replaces tyrosine, which is neutral and polar, with histidine, which is basic and polar, at codon 172 of the KRT10 protein (p.Tyr172His). This variant is present in population databases (rs376239738, gnomAD 0.03%). This variant has not been reported in the literature in individuals affected with KRT10-related conditions. Advanced modeling of protein sequence and biophysical properties (such as structural, functional, and spatial information, amino acid conservation, physicochemical variation, residue mobility, and thermodynamic stability) has been performed at Invitae for this missense variant, however the output from this modeling did not meet the statistical confidence thresholds required to predict the impact of this variant on KRT10 protein function. In summary, the available evidence is currently insufficient to determine the role of this variant in disease. Therefore, it has been classified as a Variant of Uncertain Significance.